The following is an entry in ClinVar:

NM_020457.3(THAP11):c.415ACTGCCCAG[1] (p.139TAQ[1])

Genes: CENPT (centromere protein T; minus strand), THAP11 (THAP domain containing 11; plus strand). Cytogenetic location: 16q22.1.
Variant type: Microsatellite.
Coding change: c.415ACTGCCCAG[1] on transcript NM_020457.3 (MANE Select); one copy of the 9-base unit ACTGCCCAG starting at c.415; the reference has two copies in a row; one copy, 9 bases deleted.
Protein change: p.139TAQ[1].
Molecular consequence: inframe deletion. On other transcripts: intron variant (1).
Genome position (GRCh38, 1-based): chr16:67,842,978-67,842,986, ACTGCCCAG deleted; deleting any 9 consecutive bases within chr16:67,842,969-67,842,986 gives the same sequence; the position shown is the placement nearest the transcript's 3' end. VCF-style (leftmost placement, unchanged base first): chr16-67842968-CACTGCCCAG-C. GRCh37 (hg19) VCF-style: chr16-67876871-CACTGCCCAG-C.
Other names: c.-492+4424_-492+4432del (NM_025082.4).
Identifiers: ClinVar variation 4706454 (VCV004706454.1).

ClinVar aggregate classification (germline): Uncertain significance (1 of 4 stars; one submission).

Submission:

Labcorp Genetics (formerly Invitae), Labcorp
Classification: Uncertain significance. Last evaluated: 2025-12-21. Review status: criteria provided, single submitter. Criteria: Invitae Variant Classification Sherloc (09022015). Collection method: clinical testing. Allele origin: germline.
Comment: This variant, c.424_432del, results in the deletion of 3 amino acid(s) of the THAP11 protein (p.Thr142_Gln144del), but otherwise preserves the integrity of the reading frame. This variant is present in population databases (rs368666568, gnomAD 0.03%). This variant has not been reported in the literature in individuals affected with THAP11-related conditions. Experimental studies and prediction algorithms are not available or were not evaluated, and the functional significance of this variant is currently unknown. In summary, the available evidence is currently insufficient to determine the role of this variant in disease. Therefore, it has been classified as a Variant of Uncertain Significance.